The following is an entry in ClinVar:

NM_004247.4(EFTUD2):c.643G>T (p.Val215Phe)

Gene: EFTUD2 (elongation factor Tu GTP binding domain containing 2; minus strand). Cytogenetic location: 17q21.31.
Variant type: single nucleotide variant.
Coding change: c.643G>T on transcript NM_004247.4 (MANE Select); coding-DNA position 643, G replaced by T.
Protein change: p.Val215Phe; replaces valine 215 with phenylalanine.
Molecular consequence: missense variant.
Genome position (GRCh38, 1-based): chr17:44,879,615, C>A on the plus strand (G>T on the coding strand, the complement: EFTUD2 is on the minus strand). VCF-style: chr17-44879615-C-A. GRCh37 (hg19) VCF-style: chr17-42956983-C-A.
Other names: c.538G>T, p.Val180Phe (NM_001142605.2); c.643G>T, p.Val215Phe (NM_001258353.2); c.613G>T, p.Val205Phe (NM_001258354.2); short protein forms V180F, V205F, V215F.
Identifiers: ClinVar variation 2188054 (VCV002188054.4), dbSNP rs1284071633, ClinGen allele CA399822064.

ClinVar aggregate classification (germline): Uncertain significance (1 of 4 stars; one submission).

Allele frequency attached by ClinVar (database versions not stated): gnomAD 0.00002; TOPMed 0.00003.
gnomAD v4.1: 3 of 1,613,820 alleles (0.00019%); highest among the groups gnomAD compares: African/African-American, 0.004%; no homozygotes.

Submission:

Labcorp Genetics (formerly Invitae), Labcorp
Classification: Uncertain significance. Last evaluated: 2023-04-17. Review status: criteria provided, single submitter. Criteria: Invitae Variant Classification Sherloc (09022015). Collection method: clinical testing. Allele origin: germline.
Comment: Advanced modeling of protein sequence and biophysical properties (such as structural, functional, and spatial information, amino acid conservation, physicochemical variation, residue mobility, and thermodynamic stability) performed at Invitae indicates that this missense variant is expected to disrupt EFTUD2 protein function. In summary, the available evidence is currently insufficient to determine the role of this variant in disease. Therefore, it has been classified as a Variant of Uncertain Significance. ClinVar contains an entry for this variant (Variation ID: 2188054). This variant has not been reported in the literature in individuals affected with EFTUD2-related conditions. This variant is not present in population databases (gnomAD no frequency). This sequence change replaces valine, which is neutral and non-polar, with phenylalanine, which is neutral and non-polar, at codon 215 of the EFTUD2 protein (p.Val215Phe).